The following is an entry in ClinVar:

NM_000528.4(MAN2B1):c.1472C>T (p.Thr491Ile)

Gene: MAN2B1 (mannosidase alpha class 2B member 1; minus strand). Cytogenetic location: 19p13.13.
Variant type: single nucleotide variant.
Coding change: c.1472C>T on transcript NM_000528.4 (MANE Select); coding-DNA position 1472, C replaced by T.
Protein change: p.Thr491Ile; replaces threonine 491 with isoleucine.
Molecular consequence: missense variant.
Genome position (GRCh38, 1-based): chr19:12,657,004, G>A on the plus strand (C>T on the coding strand, the complement: MAN2B1 is on the minus strand). VCF-style: chr19-12657004-G-A. GRCh37 (hg19) VCF-style: chr19-12767818-G-A.
Other names: c.1469C>T, p.Thr490Ile (NM_001173498.2); short protein forms T491I, T490I.
Identifiers: ClinVar variation 1947611 (VCV001947611.2), dbSNP rs1416247798, ClinGen allele CA404246336.

ClinVar aggregate classification (germline): Uncertain significance (1 of 4 stars; one submission).

Conditions:
Deficiency of alpha-mannosidase (MANSA). Also called: Mannosidosis, alpha-, types I and II; Alpha-Mannosidosis; LYSOSOMAL ALPHA-D-MANNOSIDASE DEFICIENCY. Identifiers: Orphanet 61, MedGen C0024748, MONDO:0009561, OMIM 248500.

Allele frequency attached by ClinVar (database versions not stated): gnomAD exomes below 0.00001; TOPMed below 0.00001; gnomAD 0.00001.
gnomAD v4.1: 4 of 1,613,514 alleles (0.00025%); highest among the groups gnomAD compares: East Asian, 0.0045%; no homozygotes.

Submission:

Labcorp Genetics (formerly Invitae), Labcorp
Classification: Uncertain significance for Deficiency of alpha-mannosidase. Last evaluated: 2021-11-25. Review status: criteria provided, single submitter. Criteria: Invitae Variant Classification Sherloc (09022015). Collection method: clinical testing. Allele origin: germline.
Comment: This sequence change replaces threonine, which is neutral and polar, with isoleucine, which is neutral and non-polar, at codon 491 of the MAN2B1 protein (p.Thr491Ile). This variant is not present in population databases (gnomAD no frequency). This variant has not been reported in the literature in individuals affected with MAN2B1-related conditions. Algorithms developed to predict the effect of missense changes on protein structure and function output the following: SIFT: "Tolerated"; PolyPhen-2: "Benign"; Align-GVGD: "Class C0". The isoleucine amino acid residue is found in multiple mammalian species, which suggests that this missense change does not adversely affect protein function. In summary, the available evidence is currently insufficient to determine the role of this variant in disease. Therefore, it has been classified as a Variant of Uncertain Significance.